The following is an entry in ClinVar:

NM_001267550.2(TTN):c.48849C>T (p.Thr16283=)

Genes: TTN-AS1 (TTN antisense RNA 1; plus strand), TTN (titin; minus strand), LOC126806426 (BRD4-independent group 4 enhancer GRCh37_chr2:179478848-179480047; plus strand). Cytogenetic location: 2q31.2.
Variant type: single nucleotide variant.
Coding change: c.48849C>T on transcript NM_001267550.2 (MANE Select); coding-DNA position 48849, C replaced by T.
Protein change: p.Thr16283=; no amino-acid change (threonine 16283 retained).
Molecular consequence: synonymous variant. On other transcripts: non-coding transcript variant (1).
Genome position (GRCh38, 1-based): chr2:178,614,665, G>A on the plus strand (C>T on the coding strand, the complement: TTN is on the minus strand). VCF-style: chr2-178614665-G-A. GRCh37 (hg19) VCF-style: chr2-179479392-G-A.
Other names: c.43926C>T, p.Thr14642= (NM_001256850.1); c.21654C>T, p.Thr7218= (NM_003319.4); c.41145C>T, p.Thr13715= (NM_133378.4); c.22029C>T, p.Thr7343= (NM_133432.3); c.22230C>T, p.Thr7410= (NM_133437.4).
Identifiers: ClinVar variation 516822 (VCV000516822.14), dbSNP rs768147224, ClinGen allele CA1994735.

ClinVar aggregate classification (germline): Likely benign. Review status: criteria provided, multiple submitters, no conflicts (2 of 4 stars). 3 submissions from 3 submitters: Likely benign (3). Last evaluated 2025-01-27.

Conditions:
Dilated cardiomyopathy 1G (CMD1G). Identifiers: Orphanet 154, MedGen C1858763, MONDO:0011400, OMIM 604145.
Autosomal recessive limb-girdle muscular dystrophy type 2J (LGMDR10). Also called: Limb-girdle muscular dystrophy, type 2J; MUSCULAR DYSTROPHY, LIMB-GIRDLE, AUTOSOMAL RECESSIVE 10. Identifiers: Orphanet 140922, MedGen C1837342, MONDO:0012127, OMIM 608807.
Cardiovascular phenotype. Identifiers: MedGen CN230736.

Allele frequency attached by ClinVar (database versions not stated): gnomAD 0.00001; gnomAD exomes 0.00001 and 0.00002; ExAC 0.00002; TOPMed 0.00002.
gnomAD v4.1: 15 of 1,612,136 alleles (0.00093%); highest among the groups gnomAD compares: Middle Eastern, 0.016%; no homozygotes.

Submissions (3):

Labcorp Genetics (formerly Invitae), Labcorp
Classification: Likely benign for Dilated cardiomyopathy 1G; Autosomal recessive limb-girdle muscular dystrophy type 2J. Last evaluated: 2025-01-27. Review status: criteria provided, single submitter. Criteria: Invitae Variant Classification Sherloc (09022015). Collection method: clinical testing. Allele origin: germline.

Ambry Genetics
Classification: Likely benign for Cardiovascular phenotype. Last evaluated: 2022-10-07. Review status: criteria provided, single submitter. Criteria: Ambry Variant Classification Scheme 2023. Collection method: clinical testing. Allele origin: germline.

GeneDx
Classification: Likely benign. Last evaluated: 2018-01-04. Review status: criteria provided, single submitter. Criteria: GeneDx Variant Classification (06012015). Collection method: clinical testing. Allele origin: germline. Affected: yes.
Comment: This variant is considered likely benign or benign based on one or more of the following criteria: it is a conservative change, it occurs at a poorly conserved position in the protein, it is predicted to be benign by multiple in silico algorithms, and/or has population frequency not consistent with disease.